The following is an entry in ClinVar:

NM_003793.4(CTSF):c.1322-5C>A

Gene: CTSF (cathepsin F; minus strand). Cytogenetic location: 11q13.2.
Variant type: single nucleotide variant.
Coding change: c.1322-5C>A on transcript NM_003793.4 (MANE Select); 5 bases into the intron before coding-DNA position 1322, C replaced by A.
Molecular consequence: intron variant.
Genome position (GRCh38, 1-based): chr11:66,564,151, G>T on the plus strand (C>A on the coding strand, the complement: CTSF is on the minus strand). VCF-style: chr11-66564151-G-T. GRCh37 (hg19) VCF-style: chr11-66331622-G-T.
Other names: NC_000011.9:g.66331622G>T.
Identifiers: ClinVar variation 1310645 (VCV001310645.3), dbSNP rs776303065, ClinGen allele CA6125231.
Genomic context (GRCh38, chr11:66,564,151, plus strand): 5'-CTCACCCCAGTCAGTGCCCCAGCTGTTCTTGATGGCCCAAAAGGGAACGTCAGAGCCTGG[G>T]GTGCAGTGCAGAGCGCAAGGATCAGGGTCCTTAATTCTCCAGGCAGAGCCTTAATCACTT-3'

ClinVar aggregate classification (germline): Uncertain significance (1 of 4 stars; one submission).

Allele frequency attached by ClinVar (database versions not stated): gnomAD exomes 0.00001; TOPMed 0.00001; ExAC 0.00002.

Submissions (2):

GeneDx
Classification: Uncertain significance. Last evaluated: 2019-11-29. Review status: criteria provided, single submitter. Criteria: GeneDx Variant Classification Process June 2021. Collection method: clinical testing. Allele origin: germline. Affected: yes.
Comment: Not observed at a significant frequency in large population cohorts (Lek et al., 2016); Has not been previously published as pathogenic or benign to our knowledge; In-silico analysis, which includes splice predictors and evolutionary conservation, is inconclusive as to whether the variant alters gene splicing. In the absence of RNA/functional studies, the actual effect of this sequence change is unknown.

Dr. Peter K. Rogan Lab, Western University
No classification provided (evidence only). Condition: Cholangiocarcinoma. Review status: no classification provided. Collection method: in vitro. Allele origin: not applicable. Functional consequence: retained intron. Not counted in ClinVar's aggregate classification.